The following is an entry in ClinVar:

ClinVar aggregate classification (germline): Pathogenic. Review status: criteria provided, single submitter (1 of 4 stars). 3 submissions from 3 submitters: Pathogenic (1). 2 of the submissions do not count toward it. Last evaluated 2018-07-19.

Conditions:
ZTTK syndrome (ZTTKS). Also called: ZTTK MULTIPLE CONGENITAL ANOMALIES-MENTAL RETARDATION SYNDROME; Zhu-Tokita-Takenouchi-Kim Syndrome. Identifiers: Orphanet 500150, MedGen C4310696, MONDO:0014936, OMIM 617140.

Submissions (3):

GeneDx
Classification: Pathogenic. Last evaluated: 2018-07-19. Review status: criteria provided, single submitter. Criteria: GeneDx Variant Classification (06012015). Collection method: clinical testing. Allele origin: germline. Affected: yes.
Comment: The c.4640delA variant in the SON gene has been reported previously using alternate nomenclature c.4640del in the apparently de novo state in association with a SON-related disorder (Kim et al., 2016). The c.4640delA variant causes a frameshift starting with codon Histidine 1547, changes this amino acid to a Leucine residue, and creates a premature Stop codon at position 76 of the new reading frame, denoted p.His1547LeufsX76. This variant is predicted to cause loss of normal protein function either through protein truncation or nonsense-mediated mRNA decay. The c.4640delA variant is not observed in large population cohorts (Lek et al., 2016). We interpret c.4640delA as a pathogenic variant.

OMIM
Classification: Pathogenic for ZTTK SYNDROME. Last evaluated: 2016-11-02. Review status: no assertion criteria provided. Collection method: literature only. Allele origin: germline. Not counted in ClinVar's aggregate classification.

University of Washington Center for Mendelian Genomics, University of Washington
Classification: Likely pathogenic for ZTTK syndrome. Last evaluated: 2016-09-01. Review status: no assertion criteria provided. Collection method: research. Allele origin: unknown. Affected: yes. Observed: 1 heterozygote. Not counted in ClinVar's aggregate classification.

Literature cited by the submitters: PubMed 27545680 (cited by OMIM and University of Washington Center for Mendelian Genomics, University of Washington).

NM_138927.4(SON):c.4640del (p.His1547fs)

Gene: SON (SON DNA and RNA binding protein; plus strand). Cytogenetic location: 21q22.11.
Variant type: Deletion.
Coding change: c.4640del on transcript NM_138927.4 (MANE Select); coding-DNA position 4640, one base deleted (A; older notation c.4640delA).
Protein change: p.His1547fs; shifts the reading frame from histidine 1547.
Molecular consequence: frameshift variant. On other transcripts: non-coding transcript variant (1), intron variant (1).
Genome position (GRCh38, 1-based): chr21:33,553,871, A deleted. VCF-style (leftmost placement, unchanged base first): chr21-33553870-CA-C. GRCh37 (hg19) VCF-style: chr21-34926176-CA-C.
Other names: c.4640delA (NM_032195.2); c.4640del, p.His1547fs (NM_001291411.2, NM_032195.3); c.245-3285del (NM_001291412.3); short protein forms H1547fs.
Identifiers: ClinVar variation 265776 (VCV000265776.3), dbSNP rs886039776, ClinGen allele CA10588823.
Genomic context (GRCh38, chr21:33,553,870, plus strand): 5'-GAACATGGTATAAATATAGACCTTAATATAAATAATCATTTAATTGCTAAAGAGATGGAA[CA>C]TAATACAGTGTGTGCTGCTGGTACTAGTCCTGTTGGGGAAATTGGTGAAGAGAAAATTTT-3'